The following is an entry in ClinVar:

NM_130384.3(ATRIP):c.235C>T (p.Arg79Trp)

Genes: ATRIP (ATR interacting protein; plus strand), ATRIP-TREX1 (ATRIP-TREX1 readthrough; plus strand). Cytogenetic location: 3p21.31.
Variant type: single nucleotide variant.
Coding change: c.235C>T on transcript NM_130384.3 (MANE Select); coding-DNA position 235, C replaced by T.
Protein change: p.Arg79Trp; replaces arginine 79 with tryptophan.
Molecular consequence: missense variant. On other transcripts: non-coding transcript variant (1), intron variant (1).
Genome position (GRCh38, 1-based): chr3:48,447,080, C>T. VCF-style: chr3-48447080-C-T. GRCh37 (hg19) VCF-style: chr3-48488484-C-T.
Other names: c.235C>T, p.Arg79Trp (NM_032166.4); c.-218+281C>T (NM_001271022.2); short protein forms R79W.
Identifiers: ClinVar variation 2124622 (VCV002124622.4), dbSNP rs2039696862, ClinGen allele CA352704132.
Genomic context (GRCh38, chr3:48,447,080, plus strand): 5'-GACCTGGAGGAGCTTGACACCCTCGCGTCACAGGCCCTGAGCCAATGTCCGGCCGCGGCT[C>T]GGGACGTGTCCAGTGAGTGCTCCTCGCGGCCTTTTGCTCGGAGGGAGTTGTCAACCGCGC-3'
Protein context (NP_569055.1, residues 69-89): QALSQCPAAA[Arg79Trp]DVSSDHKVHR

ClinVar aggregate classification (germline): Uncertain significance (1 of 4 stars; one submission).

Allele frequency attached by ClinVar (database versions not stated): TOPMed 0.00001.

Submission:

Labcorp Genetics (formerly Invitae), Labcorp
Classification: Uncertain significance. Last evaluated: 2022-05-08. Review status: criteria provided, single submitter. Criteria: Invitae Variant Classification Sherloc (09022015). Collection method: clinical testing. Allele origin: germline.
Comment: This sequence change replaces arginine, which is basic and polar, with tryptophan, which is neutral and slightly polar, at codon 79 of the ATRIP protein (p.Arg79Trp). This variant is not present in population databases (gnomAD no frequency). This variant has not been reported in the literature in individuals affected with ATRIP-related conditions. Algorithms developed to predict the effect of missense changes on protein structure and function are either unavailable or do not agree on the potential impact of this missense change (SIFT: "Deleterious"; PolyPhen-2: "Benign"; Align-GVGD: "Class C0"). In summary, the available evidence is currently insufficient to determine the role of this variant in disease. Therefore, it has been classified as a Variant of Uncertain Significance.